The following is an entry in ClinVar:

ClinVar aggregate classification (germline): Pathogenic. Review status: criteria provided, single submitter (1 of 4 stars). 2 submissions from 2 submitters: Pathogenic (1). 1 of the submissions does not count toward it. Last evaluated 2023-10-01.

Conditions:
Retinal dystrophy. Also called: Inherited retinal dystrophy. Identifiers: Orphanet 71862, MedGen C0854723, MeSH D058499, MONDO:0019118, HP:0000556.
Retinitis pigmentosa (RP). Identifiers: Orphanet 791, MedGen C0035334, MeSH D012174, MONDO:0019200, OMIM 268000. Inheritance: Autosomal dominant, autosomal recessive and X linked inheritance.

Submissions (2):

Dept Of Ophthalmology, Nagoya University
Classification: Pathogenic for Retinal dystrophy. Last evaluated: 2023-10-01. Review status: criteria provided, single submitter. Criteria: Submitter's publication. Collection method: research. Allele origin: germline. Affected: yes.

Department of Ophthalmology and Visual Sciences Kyoto University
Classification: Likely pathogenic for Retinitis pigmentosa. Review status: no assertion criteria provided. Collection method: not provided. Allele origin: unknown. Not counted in ClinVar's aggregate classification.
ClinVar note: Converted during submission from probable-pathogenic to Likely pathogenic.

NM_006269.2(RP1):c.650del (p.Gly217fs)

Gene: RP1 (RP1 axonemal microtubule associated; plus strand). Cytogenetic location: 8q12.1.
Variant type: Deletion.
Coding change: c.650del on transcript NM_006269.2 (MANE Select); coding-DNA position 650, one base deleted (G; older notation c.650delG).
Protein change: p.Gly217fs; shifts the reading frame from glycine 217.
Molecular consequence: frameshift variant.
Genome position (GRCh38, 1-based): chr8:54,622,151, G deleted; the last of 2 consecutive G bases (chr8:54,622,150-54,622,151); deleting either gives the same sequence. VCF-style (leftmost placement, unchanged base first): chr8-54622149-TG-T. GRCh37 (hg19) VCF-style: chr8-55534709-TG-T.
Other names: c.650delG (NM_006269.2); short protein forms G217fs.
Identifiers: ClinVar variation 143137 (VCV000143137.3), dbSNP rs527236105, ClinGen allele CA270097.